The following is an entry in ClinVar:

NM_001114753.3(ENG):c.1471G>C (p.Asp491His)

Genes: ENG (endoglin; minus strand), LOC102723566 (uncharacterized LOC102723566; plus strand). Cytogenetic location: 9q34.11.
Variant type: single nucleotide variant.
Coding change: c.1471G>C on transcript NM_001114753.3 (MANE Select); coding-DNA position 1471, G replaced by C.
Protein change: p.Asp491His; replaces aspartic acid 491 with histidine.
Molecular consequence: missense variant. On other transcripts: non-coding transcript variant (1).
Genome position (GRCh38, 1-based): chr9:127,818,335, C>G on the plus strand (G>C on the coding strand, the complement: ENG is on the minus strand). VCF-style: chr9-127818335-C-G. GRCh37 (hg19) VCF-style: chr9-130580614-C-G.
Other names: c.1471G>C, p.Asp491His (NM_000118.4); c.925G>C, p.Asp309His (NM_001278138.2); short protein forms D309H, D491H.
Identifiers: ClinVar variation 3666539 (VCV003666539.2).

ClinVar aggregate classification (germline): Uncertain significance (1 of 4 stars; one submission).

Conditions:
Hereditary hemorrhagic telangiectasia (HHT). Also called: ORW DISEASE; Osler Weber Rendu syndrome; OSLER-RENDU-WEBER DISEASE; Osler hemorrhagic telangiectasia syndrome. Identifiers: Orphanet 774, MedGen C0039445, MONDO:0019180. Disease mechanism: loss of function.

gnomAD v4.1: 2 of 1,614,056 alleles (0.00012%); highest among the groups gnomAD compares: Non-Finnish European, 0.00017%; no homozygotes.

Submission:

Labcorp Genetics (formerly Invitae), Labcorp
Classification: Uncertain significance for Hereditary hemorrhagic telangiectasia. Last evaluated: 2024-10-02. Review status: criteria provided, single submitter. Criteria: Invitae Variant Classification Sherloc (09022015). Collection method: clinical testing. Allele origin: germline.
Comment: This sequence change replaces aspartic acid, which is acidic and polar, with histidine, which is basic and polar, at codon 491 of the ENG protein (p.Asp491His). This variant is not present in population databases (gnomAD no frequency). This variant has not been reported in the literature in individuals affected with ENG-related conditions. Invitae Evidence Modeling of protein sequence and biophysical properties (such as structural, functional, and spatial information, amino acid conservation, physicochemical variation, residue mobility, and thermodynamic stability) has been performed for this missense variant. However, the output from this modeling did not meet the statistical confidence thresholds required to predict the impact of this variant on ENG protein function. In summary, the available evidence is currently insufficient to determine the role of this variant in disease. Therefore, it has been classified as a Variant of Uncertain Significance.